The following is an entry in ClinVar:

ClinVar aggregate classification (germline): Uncertain significance (1 of 4 stars; one submission).

Allele frequency attached by ClinVar (database versions not stated): gnomAD 0.00001; ExAC 0.00002; ESP Exome Variant Server 0.00008; 1000 Genomes Project 30x 0.00016; 1000 Genomes Project 0.00020.
gnomAD v4.1: 4 of 1,614,016 alleles (0.00025%); highest among the groups gnomAD compares: African/African-American, 0.0027%; no homozygotes.

Submission:

Labcorp Genetics (formerly Invitae), Labcorp
Classification: Uncertain significance. Last evaluated: 2023-06-14. Review status: criteria provided, single submitter. Criteria: Invitae Variant Classification Sherloc (09022015). Collection method: clinical testing. Allele origin: germline.
Comment: This variant is present in population databases (rs372079635, gnomAD 0.01%). In summary, the available evidence is currently insufficient to determine the role of this variant in disease. Therefore, it has been classified as a Variant of Uncertain Significance. An algorithm developed to predict the effect of missense changes on protein structure and function (PolyPhen-2) suggests that this variant is likely to be disruptive. This variant has not been reported in the literature in individuals affected with MYCN-related conditions. This sequence change replaces valine, which is neutral and non-polar, with leucine, which is neutral and non-polar, at codon 339 of the MYCN protein (p.Val339Leu).

NM_005378.6(MYCN):c.1015G>T (p.Val339Leu)

Gene: MYCN (MYCN proto-oncogene, bHLH transcription factor; plus strand). Cytogenetic location: 2p24.3.
Variant type: single nucleotide variant.
Coding change: c.1015G>T on transcript NM_005378.6 (MANE Select); coding-DNA position 1015, G replaced by T.
Protein change: p.Val339Leu; replaces valine 339 with leucine.
Molecular consequence: missense variant. On other transcripts: 3 prime UTR variant (1).
Genome position (GRCh38, 1-based): chr2:15,945,717, G>T. VCF-style: chr2-15945717-G-T. GRCh37 (hg19) VCF-style: chr2-16085839-G-T.
Other names: c.1015G>T, p.Val339Leu (NM_001293228.2); c.382G>T, p.Val128Leu (NM_001293231.2); c.*950G>T (NM_001293233.2); short protein forms V128L, V339L.
Identifiers: ClinVar variation 2808432 (VCV002808432.3), dbSNP rs372079635, ClinGen allele CA1538297.
Genomic context (GRCh38, chr2:15,945,717, plus strand): 5'-ATCCTCAAACGATGCCTTCCCATCCACCAGCAGCACAACTATGCCGCCCCCTCTCCCTAC[G>T]TGGAGAGTGAGGATGCACCCCCACAGAAGAAGATAAAGAGCGAGGCGTCCCCACGTCCGC-3'
Protein context (NP_005369.2, residues 329-349): QHNYAAPSPY[Val339Leu]ESEDAPPQKK